The following is an entry in ClinVar:

NM_000138.5(FBN1):c.406T>G (p.Cys136Gly)

Gene: FBN1 (fibrillin 1; minus strand). Cytogenetic location: 15q21.1.
Variant type: single nucleotide variant.
Coding change: c.406T>G on transcript NM_000138.5 (MANE Select); coding-DNA position 406, T replaced by G.
Protein change: p.Cys136Gly; replaces cysteine 136 with glycine.
Molecular consequence: missense variant.
Genome position (GRCh38, 1-based): chr15:48,600,175, A>C on the plus strand (T>G on the coding strand, the complement: FBN1 is on the minus strand). VCF-style: chr15-48600175-A-C. GRCh37 (hg19) VCF-style: chr15-48892372-A-C.
Other names: short protein forms C136G.
Identifiers: ClinVar variation 457203 (VCV000457203.8), dbSNP rs1555405041, ClinGen allele CA392446510.

ClinVar aggregate classification (germline): Pathogenic. Review status: criteria provided, single submitter (1 of 4 stars). 2 submissions from 2 submitters: Pathogenic (1). 1 of the submissions does not count toward it. Last evaluated 2017-02-13.

Conditions:
Marfan syndrome (MFS). Also called: MARFAN SYNDROME, TYPE I; FBN1-Related Marfan Syndrome; Marfan syndrome type 1; Marfan's syndrome; Marfan syndrome, classic. Identifiers: Orphanet 284963, Orphanet 558, MedGen C0024796, MONDO:0007947, OMIM 154700.
Familial thoracic aortic aneurysm and aortic dissection (TAAD). Also called: Thoracic aortic aneurysms and dissections. Identifiers: Orphanet 91387, MedGen C4707243, MONDO:0019625.

Submissions (2):

Labcorp Genetics (formerly Invitae), Labcorp
Classification: Pathogenic for Marfan syndrome; Familial thoracic aortic aneurysm and aortic dissection. Last evaluated: 2017-02-13. Review status: criteria provided, single submitter. Criteria: Invitae Variant Classification Sherloc (09022015). Collection method: clinical testing. Allele origin: germline.
Comment: This variant is not present in population databases (ExAC no frequency) and has not been reported in the literature in individuals with a FBN1-related disease. For these reasons, this variant has been classified as Pathogenic. This variant affects a cysteine residue located within an epidermal-growth-factor (EGF)–like domain of the FBN1 protein. Cysteine residues in these domains have been shown to be involved in the formation of disulfide bridges, which are critical for FBN1 protein structure and stability (PMID: 10486319, 3495735, 4750422, 16677079). In addition, missense substitutions within the FBN1 EGF-like domains affecting cysteine residues are significantly overrepresented among patients with Marfan syndrome (PMID: 16571647, 17701892). A different missense substitution at this codon (p.Cys136Ser) has been determined to be pathogenic (PMID: 18435798). This suggests that the cysteine residue is critical for FBN1 protein function and that other missense substitutions at this position may also be pathogenic. This sequence change replaces cysteine with glycine at codon 136 of the FBN1 protein (p.Cys136Gly). The cysteine residue is highly conserved and there is a large physicochemical difference between cysteine and glycine.

Center for Medical Genetics Ghent, University of Ghent
Classification: Likely pathogenic for Marfan syndrome. Last evaluated: 2017-11-07. Review status: no assertion criteria provided. Collection method: clinical testing. Allele origin: germline. Affected: yes. Not counted in ClinVar's aggregate classification.

Literature cited by the submitters: PubMed 10486319 (cited by Labcorp Genetics (formerly Invitae), Labcorp); PubMed 3495735 (cited by Labcorp Genetics (formerly Invitae), Labcorp); PubMed 4750422 (cited by Labcorp Genetics (formerly Invitae), Labcorp); PubMed 16677079 (cited by Labcorp Genetics (formerly Invitae), Labcorp); PubMed 16571647 (cited by Labcorp Genetics (formerly Invitae), Labcorp); PubMed 17701892 (cited by Labcorp Genetics (formerly Invitae), Labcorp); PubMed 18435798 (cited by Labcorp Genetics (formerly Invitae), Labcorp).